The following is an entry in ClinVar:

ClinVar aggregate classification (germline): Pathogenic. Review status: criteria provided, multiple submitters, no conflicts (2 of 4 stars). 2 submissions from 2 submitters: Pathogenic (2). Last evaluated 2026-06-22.

Conditions:
Donnai-Barrow syndrome. Also called: DBS/FOAR SYNDROME; FACIOOCULOACOUSTICORENAL SYNDROME. Identifiers: Orphanet 2143, MedGen C1857277, MONDO:0009104, OMIM 222448.

Submissions (2):

Myriad Genetics, Inc.
Classification: Pathogenic for Donnai-Barrow syndrome. Last evaluated: 2026-06-22. Review status: criteria provided, single submitter. Criteria: Myriad Autosomal Dominant, Autosomal Recessive and X-Linked Classification Criteria (2023). Collection method: clinical testing. Allele origin: unknown.
Comment: NM_004525.2(LRP2):c.11293C>T(R3765*) is expected to be pathogenic in the context of Donnai-Barrow syndrome. This variant is predicted to lead to an abnormal or absent protein product due to the creation of a premature termination codon in LRP2, a gene where loss-of-function variants are known to be pathogenic. Please note: this variant was assessed in the context of healthy population screening.

Labcorp Genetics (formerly Invitae), Labcorp
Classification: Pathogenic. Last evaluated: 2024-02-08. Review status: criteria provided, single submitter. Criteria: Invitae Variant Classification Sherloc (09022015). Collection method: clinical testing. Allele origin: germline.
Comment: This sequence change creates a premature translational stop signal (p.Arg3765*) in the LRP2 gene. It is expected to result in an absent or disrupted protein product. Loss-of-function variants in LRP2 are known to be pathogenic (PMID: 17632512, 25682901). This variant is not present in population databases (gnomAD no frequency). This variant has not been reported in the literature in individuals affected with LRP2-related conditions. For these reasons, this variant has been classified as Pathogenic.

Literature cited by the submitters: PubMed 17632512 (cited by Labcorp Genetics (formerly Invitae), Labcorp); PubMed 25682901 (cited by Labcorp Genetics (formerly Invitae), Labcorp).

NM_004525.3(LRP2):c.11293C>T (p.Arg3765Ter)

Gene: LRP2 (LDL receptor related protein 2; minus strand). Cytogenetic location: 2q31.1.
Variant type: single nucleotide variant.
Coding change: c.11293C>T on transcript NM_004525.3 (MANE Select); coding-DNA position 11293, C replaced by T.
Protein change: p.Arg3765Ter; replaces arginine 3765 with a stop codon.
Molecular consequence: nonsense.
Genome position (GRCh38, 1-based): chr2:169,170,638, G>A on the plus strand (C>T on the coding strand, the complement: LRP2 is on the minus strand). VCF-style: chr2-169170638-G-A. GRCh37 (hg19) VCF-style: chr2-170027148-G-A.
Other names: short protein forms R3765*.
Identifiers: ClinVar variation 2835889 (VCV002835889.4), dbSNP rs746047600, ClinGen allele CA349142336.